The following is an entry in ClinVar:

NM_014679.5(CEP57):c.499A>G (p.Lys167Glu)

Gene: CEP57 (centrosomal protein 57; plus strand). Cytogenetic location: 11q21.
Variant type: single nucleotide variant.
Coding change: c.499A>G on transcript NM_014679.5 (MANE Select); coding-DNA position 499, A replaced by G.
Protein change: p.Lys167Glu; replaces lysine 167 with glutamic acid.
Molecular consequence: missense variant.
Genome position (GRCh38, 1-based): chr11:95,813,584, A>G. VCF-style: chr11-95813584-A-G. GRCh37 (hg19) VCF-style: chr11-95546748-A-G.
Other names: c.472A>G, p.Lys158Glu (NM_001243776.2); c.499A>G, p.Lys167Glu (NM_001243777.2); c.418A>G, p.Lys140Glu (NM_001363604.2); short protein forms K167E, K140E, K158E.
Identifiers: ClinVar variation 2865139 (VCV002865139.3), dbSNP rs2496227335, ClinGen allele CA382422354.

ClinVar aggregate classification (germline): Uncertain significance (1 of 4 stars; one submission).

Conditions:
Mosaic variegated aneuploidy syndrome 2 (MVA2). Identifiers: Orphanet 1052, MedGen C3279843, MONDO:0013582, OMIM 614114.

Submission:

Labcorp Genetics (formerly Invitae), Labcorp
Classification: Uncertain significance for Mosaic variegated aneuploidy syndrome 2. Last evaluated: 2023-05-17. Review status: criteria provided, single submitter. Criteria: Invitae Variant Classification Sherloc (09022015). Collection method: clinical testing. Allele origin: germline.
Comment: This sequence change replaces lysine, which is basic and polar, with glutamic acid, which is acidic and polar, at codon 167 of the CEP57 protein (p.Lys167Glu). This variant is not present in population databases (gnomAD no frequency). This variant has not been reported in the literature in individuals affected with CEP57-related conditions. Advanced modeling of protein sequence and biophysical properties (such as structural, functional, and spatial information, amino acid conservation, physicochemical variation, residue mobility, and thermodynamic stability) performed at Invitae indicates that this missense variant is not expected to disrupt CEP57 protein function. In summary, the available evidence is currently insufficient to determine the role of this variant in disease. Therefore, it has been classified as a Variant of Uncertain Significance.